The following is an entry in ClinVar:

NM_006766.5(KAT6A):c.3169C>A (p.Pro1057Thr)

Gene: KAT6A (lysine acetyltransferase 6A; minus strand). Cytogenetic location: 8p11.21.
Variant type: single nucleotide variant.
Coding change: c.3169C>A on transcript NM_006766.5 (MANE Select); coding-DNA position 3169, C replaced by A.
Protein change: p.Pro1057Thr; replaces proline 1057 with threonine.
Molecular consequence: missense variant.
Genome position (GRCh38, 1-based): chr8:41,937,439, G>T on the plus strand (C>A on the coding strand, the complement: KAT6A is on the minus strand). VCF-style: chr8-41937439-G-T. GRCh37 (hg19) VCF-style: chr8-41794957-G-T.
Other names: short protein forms P1057T.
Identifiers: ClinVar variation 4540136 (VCV004540136.1).
Genomic context (GRCh38, chr8:41,937,439, plus strand): 5'-TTTCATCCTCTTCCTCCTCTTCTTCATCGATCTCAAACGTGGGTTCTAATCTTGGCATTG[G>T]CCTCTCGGAGTCAGAATCTTCAAAAGGTTCATCTAACACTTCAGTGGTCTCAGAAATAGT-3'
Protein context (NP_006757.2, residues 1047-1067): EPFEDSDSER[Pro1057Thr]MPRLEPTFEI

ClinVar aggregate classification (germline): Uncertain significance (1 of 4 stars; one submission).

Submission:

GeneDx
Classification: Uncertain significance. Last evaluated: 2025-06-23. Review status: criteria provided, single submitter. Criteria: GeneDx Variant Classification Process June 2021. Collection method: clinical testing. Allele origin: germline. Affected: yes.
Comment: Not observed at significant frequency in large population cohorts (gnomAD); In silico analysis supports that this missense variant has a deleterious effect on protein structure/function; Has not been previously published as pathogenic or benign to our knowledge